The following is an entry in ClinVar:

NM_001367624.2(ZNF469):c.4314_4334del (p.Thr1439_Ala1445del)

Gene: ZNF469 (zinc finger protein 469; plus strand). Cytogenetic location: 16q24.2.
Variant type: Deletion.
Coding change: c.4314_4334del on transcript NM_001367624.2 (MANE Select); coding-DNA positions 4314 to 4334, 21 bases deleted (GACGGAGCCAGGCAGGGCTGC).
Protein change: p.Thr1439_Ala1445del.
Molecular consequence: inframe deletion.
Genome position (GRCh38, 1-based): chr16:88,431,784-88,431,804, GACGGAGCCAGGCAGGGCTGC deleted. VCF-style (leftmost placement, unchanged base first): chr16-88431783-AGACGGAGCCAGGCAGGGCTGC-A. GRCh37 (hg19) VCF-style: chr16-88498191-AGACGGAGCCAGGCAGGGCTGC-A.
Other names: NM_001127464.1:c.4230_4250del.
Identifiers: ClinVar variation 2109068 (VCV002109068.2), dbSNP rs1906202612, ClinGen allele CA2241075066.

ClinVar aggregate classification (germline): Uncertain significance. Review status: criteria provided, multiple submitters, no conflicts (2 of 4 stars). 2 submissions from 2 submitters: Uncertain significance (2). Last evaluated 2023-02-23.

Allele frequency attached by ClinVar (database versions not stated): TOPMed below 0.00001.

Submissions (2):

GeneDx
Classification: Uncertain significance. Last evaluated: 2023-02-23. Review status: criteria provided, single submitter. Criteria: GeneDx Variant Classification Process June 2021. Collection method: clinical testing. Allele origin: germline. Affected: yes.
Comment: Not observed at significant frequency in large population cohorts (gnomAD); In-frame deletion of 7 amino acids in a non-repeat region; Has not been previously published as pathogenic or benign to our knowledge

Labcorp Genetics (formerly Invitae), Labcorp
Classification: Uncertain significance. Last evaluated: 2022-03-11. Review status: criteria provided, single submitter. Criteria: Invitae Variant Classification Sherloc (09022015). Collection method: clinical testing. Allele origin: germline.
Comment: This variant, c.4230_4250del, results in the deletion of 7 amino acid(s) of the ZNF469 protein (p.Thr1411_Ala1417del), but otherwise preserves the integrity of the reading frame. This variant is not present in population databases (gnomAD no frequency). This variant has not been reported in the literature in individuals affected with ZNF469-related conditions. Experimental studies and prediction algorithms are not available or were not evaluated, and the functional significance of this variant is currently unknown. In summary, the available evidence is currently insufficient to determine the role of this variant in disease. Therefore, it has been classified as a Variant of Uncertain Significance.